The following is an entry in ClinVar:

ClinVar aggregate classification (germline): Uncertain significance (1 of 4 stars; one submission).

Conditions:
Neuropathy, hereditary sensory and autonomic, type 2A (HSAN2A). Also called: HSAN IIA; WNK1-Related HSAN2 (HSAN2A); ACROOSTEOLYSIS, GIACCAI TYPE; ACROOSTEOLYSIS, NEUROGENIC; MORVAN DISEASE; NEUROPATHY, CONGENITAL SENSORY. Identifiers: Orphanet 970, MedGen C2752089, MONDO:0024309, OMIM 201300.
Pseudohypoaldosteronism type 2C (PHA2C). Also called: Pseudohypoaldosteronism Type IIC. Identifiers: Orphanet 757, Orphanet 88940, MedGen C1840391, MONDO:0013778, OMIM 614492.

gnomAD v4.1: 1 of 1,614,200 alleles (0.000062%); highest among the groups gnomAD compares: Admixed American, 0.0017%; no homozygotes.

Submission:

Labcorp Genetics (formerly Invitae), Labcorp
Classification: Uncertain significance for Neuropathy, hereditary sensory and autonomic, type 2A; Pseudohypoaldosteronism type 2C. Last evaluated: 2024-01-15. Review status: criteria provided, single submitter. Criteria: Invitae Variant Classification Sherloc (09022015). Collection method: clinical testing. Allele origin: germline.
Comment: This sequence change replaces glutamic acid, which is acidic and polar, with valine, which is neutral and non-polar, at codon 1522 of the WNK1 protein (p.Glu1522Val). This variant is not present in population databases (gnomAD no frequency). This variant has not been reported in the literature in individuals affected with WNK1-related conditions. ClinVar contains an entry for this variant (Variation ID: 1974004). Advanced modeling of protein sequence and biophysical properties (such as structural, functional, and spatial information, amino acid conservation, physicochemical variation, residue mobility, and thermodynamic stability) performed at Invitae indicates that this missense variant is not expected to disrupt WNK1 protein function with a negative predictive value of 95%. In summary, the available evidence is currently insufficient to determine the role of this variant in disease. Therefore, it has been classified as a Variant of Uncertain Significance.

NM_018979.4(WNK1):c.3809A>T (p.Glu1270Val)

Gene: WNK1 (WNK lysine deficient protein kinase 1; plus strand). Cytogenetic location: 12p13.33.
Variant type: single nucleotide variant.
Coding change: c.3809A>T on transcript NM_018979.4 (MANE Select); coding-DNA position 3809, A replaced by T.
Protein change: p.Glu1270Val; replaces glutamic acid 1270 with valine.
Molecular consequence: missense variant.
Genome position (GRCh38, 1-based): chr12:884,208, A>T. VCF-style: chr12-884208-A-T. GRCh37 (hg19) VCF-style: chr12-993374-A-T.
Other names: c.4589A>T, p.Glu1530Val (NM_001184985.2); c.3068A>T, p.Glu1023Val (NM_014823.3); c.4565A>T, p.Glu1522Val (NM_213655.5); short protein forms E1023V, E1270V, E1530V, E1522V.
Identifiers: ClinVar variation 1974004 (VCV001974004.5), dbSNP rs2549029777, ClinGen allele CA383329933.